The following is an entry in ClinVar:

NM_015559.3(SETBP1):c.2323G>C (p.Ala775Pro)

Gene: SETBP1 (SET binding protein 1; plus strand). Cytogenetic location: 18q12.3.
Variant type: single nucleotide variant.
Coding change: c.2323G>C on transcript NM_015559.3 (MANE Select); coding-DNA position 2323, G replaced by C.
Protein change: p.Ala775Pro; replaces alanine 775 with proline.
Molecular consequence: missense variant.
Genome position (GRCh38, 1-based): chr18:44,951,663, G>C. VCF-style: chr18-44951663-G-C. GRCh37 (hg19) VCF-style: chr18-42531628-G-C.
Other names: c.2323G>C, p.Ala775Pro (NM_001379141.1, NM_001379142.1, NM_001410862.1); short protein forms A775P.
Identifiers: ClinVar variation 2807457 (VCV002807457.3), dbSNP rs2511471412, ClinGen allele CA402320913.
Genomic context (GRCh38, chr18:44,951,663, plus strand): 5'-CAGCCGGATGTTCCAGCCGTGCCTTCCAACTTTCAGTCACTTGTGGCGTCTTCACCAGCA[G>C]CTATGCACCCACTTTCAACACAGTTAGGTGGGTCCAATGGCAACCTGAGCCCTGCCAGCA-3'
Protein context (NP_056374.2, residues 765-785): FQSLVASSPA[Ala775Pro]MHPLSTQLGG

ClinVar aggregate classification (germline): Uncertain significance (1 of 4 stars; one submission).

Submission:

Labcorp Genetics (formerly Invitae), Labcorp
Classification: Uncertain significance. Last evaluated: 2022-11-10. Review status: criteria provided, single submitter. Criteria: Invitae Variant Classification Sherloc (09022015). Collection method: clinical testing. Allele origin: germline.
Comment: This variant is not present in population databases (gnomAD no frequency). In summary, the available evidence is currently insufficient to determine the role of this variant in disease. Therefore, it has been classified as a Variant of Uncertain Significance. Advanced modeling of protein sequence and biophysical properties (such as structural, functional, and spatial information, amino acid conservation, physicochemical variation, residue mobility, and thermodynamic stability) performed at Invitae indicates that this missense variant is not expected to disrupt SETBP1 protein function. This variant has not been reported in the literature in individuals affected with SETBP1-related conditions. This sequence change replaces alanine, which is neutral and non-polar, with proline, which is neutral and non-polar, at codon 775 of the SETBP1 protein (p.Ala775Pro).